The following is an entry in ClinVar:

NM_000075.4(CDK4):c.786T>C (p.Pro262=)

Genes: CDK4 (cyclin dependent kinase 4; minus strand), TSPAN31 (tetraspanin 31; plus strand). Cytogenetic location: 12q14.1.
Variant type: single nucleotide variant.
Coding change: c.786T>C on transcript NM_000075.4 (MANE Select); coding-DNA position 786, T replaced by C.
Protein change: p.Pro262=; no amino-acid change (proline 262 retained).
Molecular consequence: synonymous variant. On other transcripts: 3 prime UTR variant (3).
Genome position (GRCh38, 1-based): chr12:57,749,215, A>G on the plus strand (T>C on the coding strand, the complement: CDK4 is on the minus strand). VCF-style: chr12-57749215-A-G. GRCh37 (hg19) VCF-style: chr12-58142998-A-G.
Other names: c.786T>C (NM_000075.3); c.*1925A>G (NM_001330168.2, NM_001330169.2, NM_005981.5).
Identifiers: ClinVar variation 2160315 (VCV002160315.6), dbSNP rs772654769, ClinGen allele CA6657687.
Genomic context (GRCh38, chr12:57,749,215, plus strand): 5'-CCCTGTGCCCACAGCCATCTCCAGTACCAGCAGCAGCTGTGCTCCCGACTCCTCCATCTC[A>G]GGTACCACCGACTGCACTGGGCGGGGCCCTCTGGGGGGAAAGGCTCCACGGGGCAGGGAT-3'
Protein context (NP_000066.1, residues 252-272): RGPRPVQSVV[Pro262=]EMEESGAQLL

ClinVar aggregate classification (germline): Benign/Likely benign. Review status: criteria provided, multiple submitters, no conflicts (2 of 4 stars). 3 submissions from 3 submitters: Benign (1); Likely benign (2). Last evaluated 2026-09-07.

Conditions:
Familial melanoma. Also called: Hereditary melanoma; Hereditary cutaneous melanoma. Identifiers: Orphanet 618, MedGen C1512419, MONDO:0018961.
Hereditary cancer-predisposing syndrome. Also called: Tumor predisposition; Hereditary Cancer Syndrome; Hereditary neoplastic syndrome; Neoplastic Syndromes, Hereditary. Identifiers: Orphanet 140162, MedGen C0027672, MeSH D009386, MONDO:0015356.
Melanoma, cutaneous malignant, susceptibility to, 3. Also called: Cutaneous malignant melanoma 3. Identifiers: Orphanet 618, MedGen C1836892, MONDO:0012183, OMIM 609048.

Allele frequency attached by ClinVar (database versions not stated): gnomAD exomes below 0.00001; ExAC 0.00001.
gnomAD v4.1: 1 of 1,613,800 alleles (0.000062%); highest among the groups gnomAD compares: South Asian, 0.0011%; no homozygotes.

Submissions (3):

Ambry Genetics
Classification: Likely benign for Hereditary cancer-predisposing syndrome. Last evaluated: 2026-09-07. Review status: criteria provided, single submitter. Criteria: Ambry Variant Classification Scheme 2023. Collection method: clinical testing. Allele origin: germline.

Labcorp Genetics (formerly Invitae), Labcorp
Classification: Likely benign for Familial melanoma. Last evaluated: 2025-07-31. Review status: criteria provided, single submitter. Criteria: Invitae Variant Classification Sherloc (09022015). Collection method: clinical testing. Allele origin: germline.

Myriad Genetics, Inc.
Classification: Benign for Melanoma, cutaneous malignant, susceptibility to, 3. Last evaluated: 2024-09-26. Review status: criteria provided, single submitter. Criteria: Myriad Autosomal Dominant, Autosomal Recessive and X-Linked Classification Criteria (2023). Collection method: clinical testing. Allele origin: unknown.
Comment: This variant is considered benign. This variant is a silent/synonymous amino acid change and it is not expected to impact splicing.